The following is an entry in ClinVar:

ClinVar aggregate classification (germline): Uncertain significance (1 of 4 stars; one submission).

Conditions:
Cone-rod dystrophy 13 (CORD13). Identifiers: Orphanet 1872, MedGen C2750720, MONDO:0011987, OMIM 608194.
Leber congenital amaurosis 6 (LCA6). Identifiers: Orphanet 65, MedGen C1854260, MONDO:0013446, OMIM 613826.

Allele frequency attached by ClinVar (database versions not stated): gnomAD exomes below 0.00001; TOPMed below 0.00001; gnomAD 0.00001.

Submission:

Labcorp Genetics (formerly Invitae), Labcorp
Classification: Uncertain significance for Leber congenital amaurosis 6; Cone-rod dystrophy 13. Last evaluated: 2022-08-16. Review status: criteria provided, single submitter. Criteria: Invitae Variant Classification Sherloc (09022015). Collection method: clinical testing. Allele origin: germline.
Comment: In summary, the available evidence is currently insufficient to determine the role of this variant in disease. Therefore, it has been classified as a Variant of Uncertain Significance. This sequence change replaces asparagine, which is neutral and polar, with lysine, which is basic and polar, at codon 311 of the RPGRIP1 protein (p.Asn311Lys). This variant is not present in population databases (gnomAD no frequency). This variant has not been reported in the literature in individuals affected with RPGRIP1-related conditions. Algorithms developed to predict the effect of missense changes on protein structure and function are either unavailable or do not agree on the potential impact of this missense change (SIFT: "Deleterious"; PolyPhen-2: "Benign"; Align-GVGD: "Class C0"). Algorithms developed to predict the effect of sequence changes on RNA splicing suggest that this variant may create or strengthen a splice site.

NM_020366.4(RPGRIP1):c.933T>A (p.Asn311Lys)

Gene: RPGRIP1 (RPGR interacting protein 1; plus strand). Cytogenetic location: 14q11.2.
Variant type: single nucleotide variant.
Coding change: c.933T>A on transcript NM_020366.4 (MANE Select); coding-DNA position 933, T replaced by A.
Protein change: p.Asn311Lys; replaces asparagine 311 with lysine.
Molecular consequence: missense variant.
Genome position (GRCh38, 1-based): chr14:21,311,826, T>A. VCF-style: chr14-21311826-T-A. GRCh37 (hg19) VCF-style: chr14-21779985-T-A.
Other names: short protein forms N311K.
Identifiers: ClinVar variation 1713822 (VCV001713822.5), dbSNP rs1412685379, ClinGen allele CA388862125.